The following is an entry in ClinVar:

NM_004329.3(BMPR1A):c.722G>T (p.Gly241Val)

Gene: BMPR1A (bone morphogenetic protein receptor type 1A; plus strand). Cytogenetic location: 10q23.2.
Variant type: single nucleotide variant.
Coding change: c.722G>T on transcript NM_004329.3 (MANE Select); coding-DNA position 722, G replaced by T.
Protein change: p.Gly241Val; replaces glycine 241 with valine.
Molecular consequence: missense variant. On other transcripts: non-coding transcript variant (3).
Genome position (GRCh38, 1-based): chr10:86,917,180, G>T. VCF-style: chr10-86917180-G-T. GRCh37 (hg19) VCF-style: chr10-88676937-G-T.
Other names: c.638G>T, p.Gly213Val (NM_001406585.1, NM_001406586.1, NM_001406587.1 and 2 more transcripts); c.380G>T, p.Gly127Val (NM_001406589.1); c.722G>T, p.Gly241Val (NM_001406575.1, NM_001406576.1, NM_001406577.1 and 19 more transcripts); c.716G>T, p.Gly239Val (NM_001406583.1); c.797G>T, p.Gly266Val (NM_001406559.1); c.770G>T, p.Gly257Val (NM_001406560.1); short protein forms G213V, G257V, G239V, G241V, G127V, G266V.
Identifiers: ClinVar variation 5032948 (VCV005032948.1).

ClinVar aggregate classification (germline): Uncertain significance (1 of 4 stars; one submission).

Conditions:
Hereditary cancer-predisposing syndrome. Also called: Neoplastic Syndromes, Hereditary; Tumor predisposition; Hereditary neoplastic syndrome; Hereditary Cancer Syndrome. Identifiers: Orphanet 140162, MedGen C0027672, MeSH D009386, MONDO:0015356.

Submission:

Ambry Genetics
Classification: Uncertain significance for Hereditary cancer-predisposing syndrome. Last evaluated: 2026-07-01. Review status: criteria provided, single submitter. Criteria: Ambry Variant Classification Scheme 2023. Collection method: clinical testing. Allele origin: germline.
Comment: The p.G241V variant (also known as c.722G>T), located in coding exon 7 of the BMPR1A gene, results from a G to T substitution at nucleotide position 722. The glycine at codon 241 is replaced by valine, an amino acid with dissimilar properties. This amino acid position is conserved. In addition, this alteration is predicted to be deleterious by in silico analysis. Based on the available evidence, the clinical significance of this variant remains unclear.